The following is an entry in ClinVar:

ClinVar aggregate classification (germline): Pathogenic (1 of 4 stars; one submission).

Submission:

Labcorp Genetics (formerly Invitae), Labcorp
Classification: Pathogenic. Last evaluated: 2024-03-01. Review status: criteria provided, single submitter. Criteria: Invitae Variant Classification Sherloc (09022015). Collection method: clinical testing. Allele origin: germline.
Comment: This sequence change creates a premature translational stop signal (p.Phe2248Alafs*6) in the VPS13A gene. It is expected to result in an absent or disrupted protein product. Loss-of-function variants in VPS13A are known to be pathogenic (PMID: 12404112, 21598378). This variant is not present in population databases (gnomAD no frequency). This variant has not been reported in the literature in individuals affected with VPS13A-related conditions. For these reasons, this variant has been classified as Pathogenic.

Literature cited by the submitters: PubMed 12404112; PubMed 21598378.

NM_033305.3(VPS13A):c.6741_6745del (p.Phe2248fs)

Gene: VPS13A (vacuolar protein sorting 13 homolog A; plus strand). Cytogenetic location: 9q21.2.
Variant type: Microsatellite.
Coding change: c.6741_6745del on transcript NM_033305.3 (MANE Select); coding-DNA positions 6741 to 6745, 5 bases deleted (TTTTC; older notation c.6741_6745delTTTTC).
Protein change: p.Phe2248fs; shifts the reading frame from phenylalanine 2248.
Molecular consequence: frameshift variant.
Genome position (GRCh38, 1-based): chr9:77,339,878-77,339,882, TTTTC deleted; deleting any 5 consecutive bases within chr9:77,339,871-77,339,882 gives the same sequence; the c. name uses the placement nearest the transcript's 3' end. VCF-style (leftmost placement, unchanged base first): chr9-77339870-CTCTTT-C. GRCh37 (hg19) VCF-style: chr9-79954786-CTCTTT-C.
Other names: c.6624_6628del, p.Phe2209fs (NM_001018037.2); c.6741_6745del, p.Phe2248fs (NM_001018038.3, NM_015186.4); short protein forms F2248fs, F2209fs.
Identifiers: ClinVar variation 2904194 (VCV002904194.3), dbSNP rs1830722833, ClinGen allele CA1125709013.
Genomic context (GRCh38, chr9:77,339,870, plus strand): 5'-TTACAGTACAAAGCAGACGGAATTCATCGAAAGCATCCACCTAATTATAAAAAGCCAGTT[CTCTTT>C]TCTTTTCAGCCAAATCACTTTTTTAATAACAATAAGGTATGCGATGTTTATTCTGTTTTT-3'